The following is an entry in ClinVar:

NM_000059.4(BRCA2):c.8252T>G (p.Ile2751Ser)

Gene: BRCA2 (BRCA2 DNA repair associated; plus strand). Cytogenetic location: 13q13.1.
Variant type: single nucleotide variant.
Coding change: c.8252T>G on transcript NM_000059.4 (MANE Select); coding-DNA position 8252, T replaced by G.
Protein change: p.Ile2751Ser; replaces isoleucine 2751 with serine.
Molecular consequence: missense variant.
Genome position (GRCh38, 1-based): chr13:32,363,454, T>G. VCF-style: chr13-32363454-T-G. GRCh37 (hg19) VCF-style: chr13-32937591-T-G.
Other names: short protein forms I2751S.
Identifiers: ClinVar variation 481537 (VCV000481537.6), dbSNP rs1555287065, ClinGen allele CA387749957.

ClinVar aggregate classification (germline): Conflicting classifications of pathogenicity. Review status: criteria provided, conflicting classifications (1 of 4 stars). 2 submissions from 2 submitters: Likely pathogenic (1); Uncertain significance (1). Last evaluated 2025-12-17.

Conditions:
Hereditary cancer-predisposing syndrome. Also called: Tumor predisposition; Hereditary Cancer Syndrome; Neoplastic Syndromes, Hereditary; Hereditary neoplastic syndrome. Identifiers: Orphanet 140162, MedGen C0027672, MeSH D009386, MONDO:0015356.

Submissions (2):

Ambry Genetics
Classification: Likely pathogenic for Hereditary cancer-predisposing syndrome. Last evaluated: 2025-12-17. Review status: criteria provided, single submitter. Criteria: Ambry Variant Classification Scheme 2023. Collection method: clinical testing. Allele origin: germline.
Comment: The p.I2751S variant (also known as c.8252T>G), located in coding exon 17 of the BRCA2 gene, results from a T to G substitution at nucleotide position 8252. The isoleucine at codon 2751 is replaced by serine, an amino acid with dissimilar properties. This variant was non-functional in a homology-directed DNA repair (HDR) assay (Richardson ME et al. Am J Hum Genet, 2021 03;108:458-468; Hu C et al. Am J Hum Genet. 2024 Mar;111(3):584-593). This amino acid position is not well conserved in available vertebrate species. In addition, this alteration is predicted to be deleterious by in silico analysis. Based on the majority of available evidence to date, this variant is likely to be pathogenic.

Women's Health and Genetics/Laboratory Corporation of America, LabCorp
Classification: Uncertain significance. Last evaluated: 2016-07-12. Review status: criteria provided, single submitter. Criteria: LabCorp Variant Classification Summary - May 2015. Collection method: clinical testing. Allele origin: germline.
Comment: Variant summary: The c.8252T>G (p.Ile2751Ser) in BRCA2 gene is a missense change that involves a highly conserved nucleotide and 5/5 in silico tools predict deleterious outcome. The variant of interest is located a highly conserved OB1 functional domain and neighboring missense mutations were classified as Pathogenic/Likely Pathogenic by several reputable laboratories. The variant is absent from the control population dataset of ExAC and has not, to our knowledge, been reported in affected individuals via published reports or by any reputable databases/clinical laboratories. Taking together, the variant was classified as VUS.

Literature cited by the submitters: PubMed 33609447 (cited by Ambry Genetics); PubMed 38417439 (cited by Ambry Genetics); PubMed 39779848 (cited by Ambry Genetics); PubMed 39779857 (cited by Ambry Genetics).